The following is an entry in ClinVar:

ClinVar aggregate classification (germline): Uncertain significance (1 of 4 stars; one submission).

Allele frequency attached by ClinVar (database versions not stated): gnomAD exomes below 0.00001.
gnomAD v4.1: 1 of 1,609,520 alleles (0.000062%); highest among the groups gnomAD compares: Non-Finnish European, 0.000085%; no homozygotes.

Submission:

Labcorp Genetics (formerly Invitae), Labcorp
Classification: Uncertain significance. Last evaluated: 2022-11-22. Review status: criteria provided, single submitter. Criteria: Invitae Variant Classification Sherloc (09022015). Collection method: clinical testing. Allele origin: germline.
Comment: This sequence change replaces serine, which is neutral and polar, with asparagine, which is neutral and polar, at codon 549 of the DHX32 protein (p.Ser549Asn). In summary, the available evidence is currently insufficient to determine the role of this variant in disease. Therefore, it has been classified as a Variant of Uncertain Significance. Algorithms developed to predict the effect of missense changes on protein structure and function output the following: SIFT: "Tolerated"; PolyPhen-2: "Benign"; Align-GVGD: "Class C0". The asparagine amino acid residue is found in multiple mammalian species, which suggests that this missense change does not adversely affect protein function. This variant has not been reported in the literature in individuals affected with DHX32-related conditions. This variant is not present in population databases (gnomAD no frequency).

NM_018180.3(DHX32):c.1646G>A (p.Ser549Asn)

Genes: BCCIP (BRCA2 and CDKN1A interacting protein; plus strand), DHX32 (DEAH-box helicase 32 (putative); minus strand). Cytogenetic location: 10q26.2.
Variant type: single nucleotide variant.
Coding change: c.1646G>A on transcript NM_018180.3 (MANE Select); coding-DNA position 1646, G replaced by A.
Protein change: p.Ser549Asn; replaces serine 549 with asparagine.
Molecular consequence: missense variant. On other transcripts: intron variant (2).
Genome position (GRCh38, 1-based): chr10:125,840,894, C>T on the plus strand (G>A on the coding strand, the complement: DHX32 is on the minus strand). VCF-style: chr10-125840894-C-T. GRCh37 (hg19) VCF-style: chr10-127529463-C-T.
Other names: c.775-361C>T (NM_016567.4, NM_078469.3); short protein forms S549N.
Identifiers: ClinVar variation 2021216 (VCV002021216.4), dbSNP rs2494379101, ClinGen allele CA378673448.